The following is an entry in ClinVar:

ClinVar aggregate classification (germline): Pathogenic/Likely pathogenic. Review status: criteria provided, multiple submitters, no conflicts (2 of 4 stars). 5 submissions from 5 submitters: Pathogenic (2); Likely pathogenic (3). Last evaluated 2024-03-06.

Conditions:
Hearing impairment. Also called: Impaired Hearing. Identifiers: MedGen C1384666, MONDO:0005365, HP:0000365.
Usher syndrome type 2. Also called: Usher Syndrome Type II. Identifiers: Orphanet 231178, MedGen C0339534, MONDO:0016484.
Usher syndrome type 1C. Also called: USHER SYNDROME, TYPE I, ACADIAN VARIETY. Identifiers: Orphanet 231169, Orphanet 886, MedGen C1848604, MONDO:0010171, OMIM 276904.
Autosomal recessive nonsyndromic hearing loss 18A. Also called: DEAFNESS, AUTOSOMAL RECESSIVE 18; Deafness, autosomal recessive 18A. Identifiers: Orphanet 90636, MedGen C1865870, MONDO:0011192, OMIM 602092.

Allele frequency attached by ClinVar (database versions not stated): gnomAD exomes below 0.00001; TOPMed below 0.00001.

Submissions (5):

Fulgent Genetics
Classification: Likely pathogenic for Usher syndrome type 1C; Autosomal recessive nonsyndromic hearing loss 18A. Last evaluated: 2024-03-06. Review status: criteria provided, single submitter. Criteria: ACMG Guidelines, 2015. Collection method: clinical testing. Allele origin: germline.

Labcorp Genetics (formerly Invitae), Labcorp
Classification: Pathogenic. Last evaluated: 2023-11-27. Review status: criteria provided, single submitter. Criteria: Invitae Variant Classification Sherloc (09022015). Collection method: clinical testing. Allele origin: germline.
Comment: This sequence change affects an acceptor splice site in intron 7 of the USH1C gene. It is expected to disrupt RNA splicing. Variants that disrupt the donor or acceptor splice site typically lead to a loss of protein function (PMID: 16199547), and loss-of-function variants in USH1C are known to be pathogenic (PMID: 10973247, 17407589, 20301442, 21203349). This variant is not present in population databases (gnomAD no frequency). Disruption of this splice site has been observed in individual(s) with Usher syndrome (PMID: 27460420, 32531858). ClinVar contains an entry for this variant (Variation ID: 813103). Algorithms developed to predict the effect of sequence changes on RNA splicing suggest that this variant may disrupt the consensus splice site. For these reasons, this variant has been classified as Pathogenic.

Department of Otolaryngology – Head & Neck Surgery, Cochlear Implant Center
Classification: Likely pathogenic for Hearing impairment. Last evaluated: 2021-04-12. Review status: criteria provided, single submitter. Criteria: ClinGen HL ACMG Specifications v1. Collection method: clinical testing. Allele origin: germline. Affected: yes.
Comment: PVS1_Strong, PM2_Moderate

Institute of Medical Genetics and Applied Genomics, University Hospital Tübingen
Classification: Likely pathogenic. Last evaluated: 2020-10-23. Review status: criteria provided, single submitter. Criteria: ACMG Guidelines, 2015. Collection method: clinical testing. Allele origin: germline. Inheritance: Autosomal recessive inheritance. Affected: yes.

Molecular Genetics Laboratory, Institute for Ophthalmic Research
Classification: Pathogenic for Usher syndrome type 2. Last evaluated: 2020-01-09. Review status: criteria provided, single submitter. Criteria: ACMG Guidelines, 2015. Collection method: research. Allele origin: germline. Affected: yes.

Literature cited by the submitters: PubMed 16199547 (cited by Labcorp Genetics (formerly Invitae), Labcorp); PubMed 10973247 (cited by Labcorp Genetics (formerly Invitae), Labcorp); PubMed 17407589 (cited by Labcorp Genetics (formerly Invitae), Labcorp); PubMed 20301442 (cited by Labcorp Genetics (formerly Invitae), Labcorp); PubMed 21203349 (cited by Labcorp Genetics (formerly Invitae), Labcorp); PubMed 27460420 (cited by Labcorp Genetics (formerly Invitae), Labcorp); PubMed 32531858 (cited by Labcorp Genetics (formerly Invitae), Labcorp).

NM_153676.4(USH1C):c.580-2A>T

Gene: USH1C (USH1 protein network component harmonin; minus strand). Cytogenetic location: 11p15.1.
Variant type: single nucleotide variant.
Coding change: c.580-2A>T on transcript NM_153676.4 (MANE Select); the canonical splice acceptor site of the intron before coding-DNA position 580, A replaced by T.
Molecular consequence: splice acceptor variant.
Genome position (GRCh38, 1-based): chr11:17,526,443, T>A on the plus strand (A>T on the coding strand, the complement: USH1C is on the minus strand). VCF-style: chr11-17526443-T-A. GRCh37 (hg19) VCF-style: chr11-17547990-T-A.
Other names: c.580-2A>T (NM_001297764.2, NM_005709.4).
Identifiers: ClinVar variation 813103 (VCV000813103.12), dbSNP rs1850678559, ClinGen allele CA379793839.